The following is an entry in ClinVar:

NM_006265.3(RAD21):c.1454C>G (p.Pro485Arg)

Gene: RAD21 (RAD21 cohesin complex component; minus strand). Cytogenetic location: 8q24.11.
Variant type: single nucleotide variant.
Coding change: c.1454C>G on transcript NM_006265.3 (MANE Select); coding-DNA position 1454, C replaced by G.
Protein change: p.Pro485Arg; replaces proline 485 with arginine.
Molecular consequence: missense variant.
Genome position (GRCh38, 1-based): chr8:116,851,964, G>C on the plus strand (C>G on the coding strand, the complement: RAD21 is on the minus strand). VCF-style: chr8-116851964-G-C. GRCh37 (hg19) VCF-style: chr8-117864203-G-C.
Other names: short protein forms P485R.
Identifiers: ClinVar variation 3895706 (VCV003895706.2).

ClinVar aggregate classification (germline): Uncertain significance. Review status: criteria provided, multiple submitters, no conflicts (2 of 4 stars). 2 submissions from 2 submitters: Uncertain significance (2). Last evaluated 2025-09-24.

Conditions:
Inborn genetic diseases. Identifiers: MedGen C0950123, MeSH D030342.

gnomAD v4.1: 7 of 1,609,504 alleles (0.00043%); highest among the groups gnomAD compares: African/African-American, 0.0027%; no homozygotes.

Submissions (2):

Ambry Genetics
Classification: Uncertain significance for Inborn genetic diseases. Last evaluated: 2025-09-24. Review status: criteria provided, single submitter. Criteria: Ambry Variant Classification Scheme 2023. Collection method: clinical testing. Allele origin: germline.

Women's Health and Genetics/Laboratory Corporation of America, LabCorp
Classification: Uncertain significance. Last evaluated: 2025-03-12. Review status: criteria provided, single submitter. Criteria: LabCorp Variant Classification Summary - May 2015. Collection method: clinical testing. Allele origin: germline.
Comment: Variant summary: RAD21 c.1454C>G (p.Pro485Arg) results in a non-conservative amino acid change in the encoded protein sequence. Three of five in-silico tools predict a benign effect of the variant on protein function. The variant allele was found at a frequency of 8e-06 in 250976 control chromosomes (gnomAD). The available data on variant occurrences in the general population are insufficient to allow any conclusion about variant significance. To our knowledge, no occurrence of c.1454C>G in individuals affected with Cornelia De Lange Syndrome 4 and no experimental evidence demonstrating its impact on protein function have been reported. No submitters have cited clinical-significance assessments for this variant to ClinVar. Based on the evidence outlined above, the variant was classified as uncertain significance.